The following is an entry in ClinVar:

ClinVar aggregate classification (germline): Uncertain significance (1 of 4 stars; one submission).

Conditions:
Developmental and epileptic encephalopathy, 36 (DEE36). Also called: Congenital disorder of glycosylation, type Is; Epileptic encephalopathy, early infantile, 36; ALG13-CDG. Identifiers: Orphanet 324422, MedGen C4317295, MONDO:0010472, OMIM 300884.

Allele frequency attached by ClinVar (database versions not stated): gnomAD exomes 0.00001; 1000 Genomes Project 30x 0.00021; 1000 Genomes Project 0.00026; gnomAD 0.00001; ExAC 0.00002.
gnomAD v4.1: 4 of 1,206,543 alleles (0.00033%); highest among the groups gnomAD compares: Admixed American, 0.0088%; no homozygotes.

Submission:

Labcorp Genetics (formerly Invitae), Labcorp
Classification: Uncertain significance for Developmental and epileptic encephalopathy, 36. Last evaluated: 2024-04-25. Review status: criteria provided, single submitter. Criteria: Invitae Variant Classification Sherloc (09022015). Collection method: clinical testing. Allele origin: germline.
Comment: This sequence change replaces alanine, which is neutral and non-polar, with threonine, which is neutral and polar, at codon 1064 of the ALG13 protein (p.Ala1064Thr). The frequency data for this variant in the population databases is considered unreliable, as metrics indicate poor data quality at this position in the gnomAD database. This variant has not been reported in the literature in individuals affected with ALG13-related conditions. ClinVar contains an entry for this variant (Variation ID: 848447). Algorithms developed to predict the effect of missense changes on protein structure and function output the following: SIFT: "Not Available"; PolyPhen-2: "Benign"; Align-GVGD: "Not Available". The threonine amino acid residue is found in multiple mammalian species, which suggests that this missense change does not adversely affect protein function. In summary, the available evidence is currently insufficient to determine the role of this variant in disease. Therefore, it has been classified as a Variant of Uncertain Significance.

NM_001099922.3(ALG13):c.3190G>A (p.Ala1064Thr)

Gene: ALG13 (ALG13 UDP-N-acetylglucosaminyltransferase subunit; plus strand). Cytogenetic location: Xq23.
Variant type: single nucleotide variant.
Coding change: c.3190G>A on transcript NM_001099922.3 (MANE Select); coding-DNA position 3190, G replaced by A.
Protein change: p.Ala1064Thr; replaces alanine 1064 with threonine.
Molecular consequence: missense variant. On other transcripts: non-coding transcript variant (1).
Genome position (GRCh38, 1-based): chrX:111,759,775, G>A. VCF-style: chrX-111759775-G-A. GRCh37 (hg19) VCF-style: chrX-111003003-G-A.
Other names: c.2641G>A, p.Ala881Thr (NM_001257230.2, NM_001257234.2, NM_001257237.2); c.2956G>A, p.Ala986Thr (NM_001257231.2); c.2953G>A, p.Ala985Thr (NM_001324292.2); c.2467G>A, p.Ala823Thr (NM_001324293.1); short protein forms A1064T, A986T, A823T, A985T, A881T.
Identifiers: ClinVar variation 848447 (VCV000848447.9), dbSNP rs756710193, ClinGen allele CA10494062.